The following is an entry in ClinVar:

NM_080680.3(COL11A2):c.3582+3G>A

Gene: COL11A2 (collagen type XI alpha 2 chain; minus strand). Cytogenetic location: 6p21.32.
Variant type: single nucleotide variant.
Coding change: c.3582+3G>A on transcript NM_080680.3 (MANE Select); 3 bases into the intron after coding-DNA position 3582, G replaced by A.
Molecular consequence: intron variant.
Genome position (GRCh38, 1-based): chr6:33,170,323, C>T on the plus strand (G>A on the coding strand, the complement: COL11A2 is on the minus strand). VCF-style: chr6-33170323-C-T. GRCh37 (hg19) VCF-style: chr6-33138100-C-T.
Other names: c.3261+3G>A (NM_080679.3); c.3324+3G>A (NM_080681.3).
Identifiers: ClinVar variation 2142568 (VCV002142568.5), dbSNP rs749051311, ClinGen allele CA3750456.

ClinVar aggregate classification (germline): Uncertain significance. Review status: criteria provided, multiple submitters, no conflicts (2 of 4 stars). 2 submissions from 2 submitters: Uncertain significance (2). Last evaluated 2025-10-26.

Allele frequency attached by ClinVar (database versions not stated): TOPMed below 0.00001; ExAC 0.00002; gnomAD exomes 0.00003.

Submissions (2):

Labcorp Genetics (formerly Invitae), Labcorp
Classification: Uncertain significance. Last evaluated: 2025-10-26. Review status: criteria provided, single submitter. Criteria: Invitae Variant Classification Sherloc (09022015). Collection method: clinical testing. Allele origin: germline.
Comment: This sequence change falls in intron 48 of the COL11A2 gene. It does not directly change the encoded amino acid sequence of the COL11A2 protein. It affects a nucleotide within the consensus splice site. This variant is present in population databases (rs749051311, gnomAD 0.003%). This variant has not been reported in the literature in individuals affected with COL11A2-related conditions. ClinVar contains an entry for this variant (Variation ID: 2142568). Variants that disrupt the consensus splice site are a relatively common cause of aberrant splicing (PMID: 17576681, 9536098). Algorithms developed to predict the effect of sequence changes on RNA splicing suggest that this variant is not likely to affect RNA splicing. In summary, the available evidence is currently insufficient to determine the role of this variant in disease. Therefore, it has been classified as a Variant of Uncertain Significance.

Blueprint Genetics
Classification: Uncertain significance. Last evaluated: 2017-07-12. Review status: criteria provided, single submitter. Criteria: ACMG Guidelines, 2015. Collection method: clinical testing. Allele origin: germline.

Literature cited by the submitters: PubMed 17576681 (cited by Labcorp Genetics (formerly Invitae), Labcorp); PubMed 9536098 (cited by Labcorp Genetics (formerly Invitae), Labcorp).